The following is an entry in ClinVar:

NM_000330.4(RS1):c.62G>A (p.Gly21Glu)

Gene: RS1 (retinoschisin 1; minus strand). Cytogenetic location: Xp22.13.
Variant type: single nucleotide variant.
Coding change: c.62G>A on transcript NM_000330.4 (MANE Select); coding-DNA position 62, G replaced by A.
Protein change: p.Gly21Glu; replaces glycine 21 with glutamic acid.
Molecular consequence: missense variant.
Genome position (GRCh38, 1-based): chrX:18,657,656, C>T on the plus strand (G>A on the coding strand, the complement: RS1 is on the minus strand). VCF-style: chrX-18657656-C-T. GRCh37 (hg19) VCF-style: chrX-18675776-C-T.
Other names: NM_000330.4:c.62G>A; short protein forms G21E.
Identifiers: ClinVar variation 4279575 (VCV004279575.1).

ClinVar aggregate classification (germline): Uncertain significance (3 of 4 stars; one submission).

Conditions:
Juvenile retinoschisis (RS1). Also called: X-linked retinoschisis; X-Linked Juvenile Retinoschisis. Identifiers: Orphanet 792, MedGen C3714753, MONDO:0010725, OMIM 312700.

Submission:

ClinGen X-linked Inherited Retinal Disease Variant Curation Expert Panel, ClinGen
Classification: Uncertain significance for Juvenile retinoschisis. Last evaluated: 2025-09-23. Review status: reviewed by expert panel. Criteria: ClinGen X LinkedIRD ACMG Specifications RS1 V1.0.0. Collection method: curation. Allele origin: germline. Inheritance: X-linked inheritance.
Comment: NM_000330.4(RS1):c.62G>A (p.Gly21Glu) is a missense variant encoding the substitution of glycine with glutamate at amino acid 21. This variant is absent from hemizygous individuals in gnomAD v4.1.0 (PM2_Supporting). The computational predictor REVEL gives a score of 0.573, which is below the ClinGen X-linked IRD VCEP PP3 threshold of >0.664 and above the BP4 threshold of <0.290 and does not predict a damaging effect on RS1 function. The splicing impact predictor SpliceAI gives a score of 0.02 for acceptor gain and donor gain, which is below the ClinGen X-linked IRD VCEP recommended threshold of ≥0.2 and does not strongly predict an impact on splicing, so neither PP3 nor BP4 is met. In summary, this variant is classified as a variant of uncertain significance for X-linked retinoschisis based on the ClinGen X-linked Inherited Retinal Disease Expert Panel Specifications to the ACMG/AMP Variant Interpretation Guidelines for RS1 Version 1.0.0: PM2_Supporting.